The following is an entry in ClinVar:

NM_000047.3(ARSL):c.1462G>A (p.Gly488Arg)

Gene: ARSL (arylsulfatase L; minus strand). Cytogenetic location: Xp22.33.
Variant type: single nucleotide variant.
Coding change: c.1462G>A on transcript NM_000047.3 (MANE Select); coding-DNA position 1462, G replaced by A.
Protein change: p.Gly488Arg; replaces glycine 488 with arginine.
Molecular consequence: missense variant.
Genome position (GRCh38, 1-based): chrX:2,935,140, C>T on the plus strand (G>A on the coding strand, the complement: ARSL is on the minus strand). VCF-style: chrX-2935140-C-T. GRCh37 (hg19) VCF-style: chrX-2853181-C-T.
Other names: c.1537G>A, p.Gly513Arg (NM_001282628.2, NM_001369080.1); c.1300G>A, p.Gly434Arg (NM_001282631.2, NM_001440750.1); c.1489G>A, p.Gly497Arg (NM_001369079.1); c.1462G>A, p.Gly488Arg (NM_001440751.1); short protein forms G434R, G488R, G497R, G513R.
Identifiers: ClinVar variation 4810626 (VCV004810626.1).

ClinVar aggregate classification (germline): Uncertain significance (1 of 4 stars; one submission).

Conditions:
Chondrodysplasia punctata, brachytelephalangic, autosomal. Also called: BRACHYTELEPHALANGIC CHONDRODYSPLASIA PUNCTATA. Identifiers: MedGen C1844853, MONDO:0011238, OMIM 602497.

Submission:

Labcorp Genetics (formerly Invitae), Labcorp
Classification: Uncertain significance for Chondrodysplasia punctata, brachytelephalangic, autosomal. Last evaluated: 2025-08-08. Review status: criteria provided, single submitter. Criteria: Invitae Variant Classification Sherloc (09022015). Collection method: clinical testing. Allele origin: germline.
Comment: This sequence change replaces glycine, which is neutral and non-polar, with arginine, which is basic and polar, at codon 488 of the ARSE protein (p.Gly488Arg). This variant is not present in population databases (gnomAD no frequency). This variant has not been reported in the literature in individuals affected with ARSE-related conditions. Invitae Evidence Modeling of protein sequence and biophysical properties (such as structural, functional, and spatial information, amino acid conservation, physicochemical variation, residue mobility, and thermodynamic stability) indicates that this missense variant is not expected to disrupt ARSE protein function with a negative predictive value of 80%. In summary, the available evidence is currently insufficient to determine the role of this variant in disease. Therefore, it has been classified as a Variant of Uncertain Significance.